The following is an entry in ClinVar:

ClinVar aggregate classification (germline): Likely pathogenic (1 of 4 stars; one submission).

Conditions:
ADCY3-related disorder. Also called: ADCY3-related condition.

Submission:

PreventionGenetics, part of Exact Sciences
Classification: Likely pathogenic for ADCY3-related condition. Last evaluated: 2026-07-31. Review status: criteria provided, single submitter. Criteria: ACMG Guidelines, 2015. Collection method: clinical testing. Allele origin: germline.
Comment: The ADCY3 c.3074_3089del16 variant is predicted to result in a frameshift and premature protein termination (p.Lys1025Thrfs*14). To our knowledge, this variant has not been reported in the literature or in a large population database, indicating this variant is rare. Frameshift variants in ADCY3 are expected to be pathogenic. This variant is interpreted as likely pathogenic.

NM_004036.5(ADCY3):c.3071_3086del (p.Lys1024fs)

Genes: ADCY3 (adenylate cyclase 3; minus strand), CENPO (centromere protein O; plus strand). Cytogenetic location: 2p23.3.
Variant type: Deletion.
Coding change: c.3071_3086del on transcript NM_004036.5 (MANE Select); coding-DNA positions 3071 to 3086, 16 bases deleted (AGGATACGCTCACCAA).
Protein change: p.Lys1024fs; shifts the reading frame from lysine 1024.
Molecular consequence: frameshift variant. On other transcripts: 3 prime UTR variant (3), non-coding transcript variant (3).
Genome position (GRCh38, 1-based): chr2:24,821,558-24,821,573, TTGGTGAGCGTATCCT deleted on the plus strand (AGGATACGCTCACCAA on the coding strand, the reverse complement: ADCY3 is on the minus strand); deleting any 16 consecutive bases within chr2:24,821,558-24,821,574 gives the same sequence; the c. name uses the placement nearest the transcript's 3' end. VCF-style (leftmost placement, unchanged base first): chr2-24821557-GTTGGTGAGCGTATCCT-G. GRCh37 (hg19) VCF-style: chr2-25044426-GTTGGTGAGCGTATCCT-G.
Other names: c.3074_3089del, p.Lys1025fs (NM_001320613.2); c.3137_3152del, p.Lys1046fs (NM_001377128.1); c.2933_2948del, p.Lys978fs (NM_001377129.1); c.2519_2534del, p.Lys840fs (NM_001377130.1); c.2348_2363del, p.Lys783fs (NM_001377131.1); c.3071_3086del, p.Lys1024fs (NM_001377132.1); c.*2241_*2256del (NM_001199803.3, NM_001322101.2, NM_024322.4); short protein forms K783fs, K1025fs, K1024fs, K840fs, K1046fs, K978fs.
Identifiers: ClinVar variation 4982618 (VCV004982618.1).